The following is an entry in ClinVar:

NM_006231.4(POLE):c.5422C>T (p.Gln1808Ter)

Gene: POLE (DNA polymerase epsilon, catalytic subunit; minus strand). Cytogenetic location: 12q24.33.
Variant type: single nucleotide variant.
Coding change: c.5422C>T on transcript NM_006231.4 (MANE Select); coding-DNA position 5422, C replaced by T.
Protein change: p.Gln1808Ter; replaces glutamine 1808 with a stop codon.
Molecular consequence: nonsense.
Genome position (GRCh38, 1-based): chr12:132,639,255, G>A on the plus strand (C>T on the coding strand, the complement: POLE is on the minus strand). VCF-style: chr12-132639255-G-A. GRCh37 (hg19) VCF-style: chr12-133215841-G-A.
Other names: c.5422C>T (NM_006231.2); short protein forms Q1808*.
Identifiers: ClinVar variation 960098 (VCV000960098.10), dbSNP rs1167794021, ClinGen allele CA387374941.

ClinVar aggregate classification (germline): Conflicting classifications of pathogenicity. Review status: criteria provided, conflicting classifications (1 of 4 stars). 3 submissions from 3 submitters: Pathogenic (1); Likely pathogenic (1); Uncertain significance (1). Last evaluated 2025-04-21.

Conditions:
Hereditary cancer-predisposing syndrome. Also called: Tumor predisposition; Hereditary neoplastic syndrome; Neoplastic Syndromes, Hereditary; Hereditary Cancer Syndrome. Identifiers: Orphanet 140162, MedGen C0027672, MeSH D009386, MONDO:0015356.

Allele frequency attached by ClinVar (database versions not stated): gnomAD exomes below 0.00001; gnomAD 0.00001; TOPMed 0.00001.
gnomAD v4.1: 2 of 1,613,952 alleles (0.00012%); highest among the groups gnomAD compares: Admixed American, 0.0017%; no homozygotes.

Submissions (3):

Labcorp Genetics (formerly Invitae), Labcorp
Classification: Pathogenic. Last evaluated: 2025-04-21. Review status: criteria provided, single submitter. Criteria: Invitae Variant Classification Sherloc (09022015). Collection method: clinical testing. Allele origin: germline.
Comment: This sequence change creates a premature translational stop signal (p.Gln1808*) in the POLE gene. It is expected to result in an absent or disrupted protein product. Loss-of-function variants in POLE are known to be pathogenic (PMID: 23230001, 25948378, 30503519). This variant is present in population databases (no rsID available, gnomAD 0.003%). This variant has not been reported in the literature in individuals affected with POLE-related conditions. ClinVar contains an entry for this variant (Variation ID: 960098). For these reasons, this variant has been classified as Pathogenic.

Ambry Genetics
Classification: Uncertain significance for Hereditary cancer-predisposing syndrome. Last evaluated: 2025-03-28. Review status: criteria provided, single submitter. Criteria: Ambry Variant Classification Scheme 2023. Collection method: clinical testing. Allele origin: germline.
Comment: The p.Q1808* variant (also known as c.5422C>T), located in coding exon 40 of the POLE gene, results from a C to T substitution at nucleotide position 5422. This changes the amino acid from a glutamine to a stop codon within coding exon 40. This alteration is expected to result in loss of function by premature protein truncation or nonsense-mediated mRNA decay. Although biallelic loss of function of POLE has been associated with autosomal recessive POLE deficiency, haploinsufficiency of POLE has not been established as a mechanism of disease for POLE-related polymerase proofreading-associated polyposis (PPAP) and POLE-related CMMRD-like syndrome. Based on the supporting evidence, this variant is expected to be causative of POLE deficiency when present along with a second pathogenic variant on the other allele; however, its clinical significance for PPAP and POLE-related CMMRD-like syndrome is unclear.

GeneDx
Classification: Likely pathogenic. Last evaluated: 2022-11-22. Review status: criteria provided, single submitter. Criteria: GeneDx Variant Classification Process June 2021. Collection method: clinical testing. Allele origin: germline. Affected: yes.
Comment: Nonsense variant predicted to result in protein truncation or nonsense mediated decay in a gene for which loss of function is a known mechanism of disease; Not observed at significant frequency in large population cohorts (gnomAD); Has not been previously published as pathogenic or benign to our knowledge

Literature cited by the submitters: PubMed 23230001 (cited by Labcorp Genetics (formerly Invitae), Labcorp); PubMed 25948378 (cited by Labcorp Genetics (formerly Invitae), Labcorp); PubMed 30503519 (cited by Labcorp Genetics (formerly Invitae), Labcorp).